The following is an entry in ClinVar:

ClinVar aggregate classification (germline): Uncertain significance. Review status: criteria provided, multiple submitters, no conflicts (2 of 4 stars). 2 submissions from 2 submitters: Uncertain significance (2). Last evaluated 2025-09-09.

Conditions:
Inborn genetic diseases. Identifiers: MedGen C0950123, MeSH D030342.

Allele frequency attached by ClinVar (database versions not stated): ExAC 0.00001; gnomAD 0.00002; TOPMed 0.00003; gnomAD exomes 0.00007.
gnomAD v4.1: 99 of 1,613,166 alleles (0.0061%); highest among the groups gnomAD compares: Middle Eastern, 0.033%; no homozygotes.

Submissions (2):

Labcorp Genetics (formerly Invitae), Labcorp
Classification: Uncertain significance. Last evaluated: 2025-09-09. Review status: criteria provided, single submitter. Criteria: Invitae Variant Classification Sherloc (09022015). Collection method: clinical testing. Allele origin: germline.
Comment: This sequence change replaces glycine, which is neutral and non-polar, with serine, which is neutral and polar, at codon 475 of the TCIRG1 protein (p.Gly475Ser). This variant is present in population databases (rs200970211, gnomAD 0.004%). This variant has not been reported in the literature in individuals affected with TCIRG1-related conditions. ClinVar contains an entry for this variant (Variation ID: 2138969). Invitae Evidence Modeling of protein sequence and biophysical properties (such as structural, functional, and spatial information, amino acid conservation, physicochemical variation, residue mobility, and thermodynamic stability) indicates that this missense variant is not expected to disrupt TCIRG1 protein function with a negative predictive value of 80%. In summary, the available evidence is currently insufficient to determine the role of this variant in disease. Therefore, it has been classified as a Variant of Uncertain Significance.

Ambry Genetics
Classification: Uncertain significance for Inborn genetic diseases. Last evaluated: 2023-06-14. Review status: criteria provided, single submitter. Criteria: Ambry Variant Classification Scheme 2023. Collection method: clinical testing. Allele origin: germline.

NM_006019.4(TCIRG1):c.1423G>A (p.Gly475Ser)

Gene: TCIRG1 (T cell immune regulator 1, ATPase H+ transporting V0 subunit a3; plus strand). Cytogenetic location: 11q13.2.
Variant type: single nucleotide variant.
Coding change: c.1423G>A on transcript NM_006019.4 (MANE Select); coding-DNA position 1423, G replaced by A.
Protein change: p.Gly475Ser; replaces glycine 475 with serine.
Molecular consequence: missense variant.
Genome position (GRCh38, 1-based): chr11:68,047,764, G>A. VCF-style: chr11-68047764-G-A. GRCh37 (hg19) VCF-style: chr11-67815231-G-A.
Other names: c.529G>A, p.Gly177Ser (NM_001351059.2); c.775G>A, p.Gly259Ser (NM_006053.4); c.1423G>A (NM_006019.3); short protein forms G259S, G177S, G475S.
Identifiers: ClinVar variation 2138969 (VCV002138969.5), dbSNP rs200970211, ClinGen allele CA6147105.
Genomic context (GRCh38, chr11:68,047,764, plus strand): 5'-ATCTACACCGGCTTCATCTACAACGAGTGCTTCAGTCGCGCCACCAGCATCTTCCCCTCG[G>A]GCTGGAGTGTGGCCGCCATGGCCAACCAGTCTGGCTGGAGGTGAGGCCCGGGCCCCAGCC-3'
Protein context (NP_006010.2, residues 465-485): FSRATSIFPS[Gly475Ser]WSVAAMANQS